The following is an entry in ClinVar:

ClinVar aggregate classification (germline): Uncertain significance. Review status: criteria provided, multiple submitters, no conflicts (2 of 4 stars). 2 submissions from 2 submitters: Uncertain significance (2). Last evaluated 2023-02-16.

Allele frequency attached by ClinVar (database versions not stated): gnomAD 0.00001; gnomAD exomes 0.00003 and 0.00009; ExAC 0.00011; 1000 Genomes Project 30x 0.00031; 1000 Genomes Project 0.00040.
gnomAD v4.1: 47 of 1,583,118 alleles (0.003%); highest among the groups gnomAD compares: South Asian, 0.052%; no homozygotes.

Submissions (2):

Ambry Genetics
Classification: Uncertain significance. Last evaluated: 2023-02-16. Review status: criteria provided, single submitter. Criteria: Ambry Variant Classification Scheme 2023. Collection method: clinical testing. Allele origin: germline.

Labcorp Genetics (formerly Invitae), Labcorp
Classification: Uncertain significance. Last evaluated: 2022-03-26. Review status: criteria provided, single submitter. Criteria: Invitae Variant Classification Sherloc (09022015). Collection method: clinical testing. Allele origin: germline.
Comment: In summary, the available evidence is currently insufficient to determine the role of this variant in disease. Therefore, it has been classified as a Variant of Uncertain Significance. Algorithms developed to predict the effect of missense changes on protein structure and function (SIFT, PolyPhen-2, Align-GVGD) all suggest that this variant is likely to be tolerated. This variant has not been reported in the literature in individuals affected with MCM5-related conditions. This variant is present in population databases (rs544602690, gnomAD 0.07%), and has an allele count higher than expected for a pathogenic variant. This sequence change replaces alanine, which is neutral and non-polar, with valine, which is neutral and non-polar, at codon 327 of the MCM5 protein (p.Ala327Val).

NM_006739.4(MCM5):c.980C>T (p.Ala327Val)

Gene: MCM5 (minichromosome maintenance complex component 5; plus strand). Cytogenetic location: 22q12.3.
Variant type: single nucleotide variant.
Coding change: c.980C>T on transcript NM_006739.4 (MANE Select); coding-DNA position 980, C replaced by T.
Protein change: p.Ala327Val; replaces alanine 327 with valine.
Molecular consequence: missense variant.
Genome position (GRCh38, 1-based): chr22:35,412,570, C>T. VCF-style: chr22-35412570-C-T. GRCh37 (hg19) VCF-style: chr22-35808563-C-T.
Other names: c.980C>T (NM_006739.3); short protein forms A327V.
Identifiers: ClinVar variation 1477713 (VCV001477713.10), dbSNP rs544602690, ClinGen allele CA10205234.
Genomic context (GRCh38, chr22:35,412,570, plus strand): 5'-GCCGCAGCTTTGCTGGGGCCGTGAGCCCCCAGGAGGAGGAGGAGTTCCGTCGCCTGGCTG[C>T]CCTCCCAAATGTCTATGAGGTCATCTCCAAGAGCATCGCCCCCTCCATCTTTGGGGGCAC-3'
Protein context (NP_006730.2, residues 317-337): QEEEEFRRLA[Ala327Val]LPNVYEVISK